The following is an entry in ClinVar:

ClinVar aggregate classification (germline): Conflicting classifications of pathogenicity. Review status: criteria provided, conflicting classifications (1 of 4 stars). 2 submissions from 2 submitters: Uncertain significance (1); Benign (1). Last evaluated 2025-04-15.

Conditions:
Primary ciliary dyskinesia. Also called: Ciliary dyskinesia. Identifiers: Orphanet 244, MedGen C0008780, MONDO:0016575, HP:0012265.

Allele frequency attached by ClinVar (database versions not stated): ExAC 0.00011; gnomAD 0.00001; TOPMed 0.00002; gnomAD exomes 0.00004.
gnomAD v4.1: 68 of 1,609,024 alleles (0.0042%); highest among the groups gnomAD compares: Non-Finnish European, 0.0058%; no homozygotes.

Submissions (2):

Labcorp Genetics (formerly Invitae), Labcorp
Classification: Benign for Primary ciliary dyskinesia. Last evaluated: 2025-04-15. Review status: criteria provided, single submitter. Criteria: Invitae Variant Classification Sherloc (09022015). Collection method: clinical testing. Allele origin: germline.

Ambry Genetics
Classification: Uncertain significance for Primary ciliary dyskinesia. Last evaluated: 2022-12-04. Review status: criteria provided, single submitter. Criteria: Ambry Variant Classification Scheme 2023. Collection method: clinical testing. Allele origin: germline.
Comment: The p.Y3059S variant (also known as c.9176A>C), located in coding exon 56 of the DNAH11 gene, results from an A to C substitution at nucleotide position 9176. The tyrosine at codon 3059 is replaced by serine, an amino acid with dissimilar properties. This amino acid position is conserved. In addition, the in silico prediction for this alteration is inconclusive. Since supporting evidence is limited at this time, the clinical significance of this alteration remains unclear.

NM_001277115.2(DNAH11):c.9176A>C (p.Tyr3059Ser)

Gene: DNAH11 (dynein axonemal heavy chain 11; plus strand). Cytogenetic location: 7p15.3.
Variant type: single nucleotide variant.
Coding change: c.9176A>C on transcript NM_001277115.2 (MANE Select); coding-DNA position 9176, A replaced by C.
Protein change: p.Tyr3059Ser; replaces tyrosine 3059 with serine.
Molecular consequence: missense variant.
Genome position (GRCh38, 1-based): chr7:21,773,839, A>C. VCF-style: chr7-21773839-A-C. GRCh37 (hg19) VCF-style: chr7-21813457-A-C.
Other names: short protein forms Y3059S.
Identifiers: ClinVar variation 410880 (VCV000410880.11), dbSNP rs781116833, ClinGen allele CA4181894.